The following is an entry in ClinVar:

ClinVar aggregate classification (germline): Conflicting classifications of pathogenicity. Review status: criteria provided, conflicting classifications (1 of 4 stars). 2 submissions from 2 submitters: Uncertain significance (1); Likely benign (1). Last evaluated 2025-11-02.

Conditions:
Inborn genetic diseases. Identifiers: MedGen C0950123, MeSH D030342.

Allele frequency attached by ClinVar (database versions not stated): TOPMed below 0.00001; gnomAD 0.00003; gnomAD exomes 0.00003; ExAC 0.00007.
gnomAD v4.1: 48 of 1,613,998 alleles (0.003%); highest among the groups gnomAD compares: South Asian, 0.051%; no homozygotes.

Submissions (2):

Labcorp Genetics (formerly Invitae), Labcorp
Classification: Uncertain significance. Last evaluated: 2025-11-02. Review status: criteria provided, single submitter. Criteria: Invitae Variant Classification Sherloc (09022015). Collection method: clinical testing. Allele origin: germline.
Comment: This sequence change replaces cysteine, which is neutral and slightly polar, with arginine, which is basic and polar, at codon 75 of the NDUFAF6 protein (p.Cys75Arg). This variant is present in population databases (rs758619898, gnomAD 0.05%). This variant has not been reported in the literature in individuals affected with NDUFAF6-related conditions. ClinVar contains an entry for this variant (Variation ID: 3187596). Invitae Evidence Modeling of protein sequence and biophysical properties (such as structural, functional, and spatial information, amino acid conservation, physicochemical variation, residue mobility, and thermodynamic stability) has been performed for this missense variant. However, the output from this modeling did not meet the statistical confidence thresholds required to predict the impact of this variant on NDUFAF6 protein function. In summary, the available evidence is currently insufficient to determine the role of this variant in disease. Therefore, it has been classified as a Variant of Uncertain Significance.

Ambry Genetics
Classification: Likely benign for Inborn genetic diseases. Last evaluated: 2024-02-05. Review status: criteria provided, single submitter. Criteria: Ambry Variant Classification Scheme 2023. Collection method: clinical testing. Allele origin: germline.

NM_152416.4(NDUFAF6):c.223T>C (p.Cys75Arg)

Gene: NDUFAF6 (NADH:ubiquinone oxidoreductase complex assembly factor 6; plus strand). Cytogenetic location: 8q22.1.
Variant type: single nucleotide variant.
Coding change: c.223T>C on transcript NM_152416.4 (MANE Select); coding-DNA position 223, T replaced by C.
Protein change: p.Cys75Arg; replaces cysteine 75 with arginine.
Molecular consequence: missense variant. On other transcripts: 5 prime UTR variant (17), non-coding transcript variant (6), intron variant (1).
Genome position (GRCh38, 1-based): chr8:95,032,020, T>C. VCF-style: chr8-95032020-T-C. GRCh37 (hg19) VCF-style: chr8-96044248-T-C.
Other names: c.-58T>C (NM_001330582.2, NM_001354514.2, NM_001354515.2 and 1 more transcripts); c.67T>C, p.Cys23Arg (NM_001354516.2); c.-230T>C (NM_001354518.2); c.-226T>C (NM_001354519.2); c.-358T>C (NM_001354522.2, NM_001354529.2); c.-431T>C (NM_001354524.2, NM_001354525.2); c.-575T>C (NM_001354527.2); c.-546T>C (NM_001354528.2); and 6 more; short protein forms C75R, C23R.
Identifiers: ClinVar variation 3187596 (VCV003187596.2), dbSNP rs758619898, ClinGen allele CA4814709.